The following is an entry in ClinVar:

ClinVar aggregate classification (germline): Uncertain significance (1 of 4 stars; one submission).

Conditions:
Thrombocytopenia 1. Also called: THROMBOCYTOPENIA, X-LINKED, 1; X-linked thrombocytopenia with normal platelets; X-Linked Thrombocytopenia (XLT). Identifiers: Orphanet 268322, Orphanet 852, MedGen C1839163, MONDO:0010743, OMIM 313900.
Wiskott-Aldrich syndrome (WAS). Also called: ALDRICH SYNDROME; IMMUNODEFICIENCY 2; WISKOTT-ALDRICH SYNDROME 1; Wiskott-aldrich syndrome, somatic. Identifiers: Orphanet 906, MedGen C0043194, MONDO:0010518, OMIM 301000.
X-linked severe congenital neutropenia (SCNX). Identifiers: Orphanet 86788, MedGen C1845987, MONDO:0010294, OMIM 300299.

Submission:

Labcorp Genetics (formerly Invitae), Labcorp
Classification: Uncertain significance for Wiskott-Aldrich syndrome; X-linked severe congenital neutropenia; Thrombocytopenia 1. Last evaluated: 2022-08-16. Review status: criteria provided, single submitter. Criteria: Invitae Variant Classification Sherloc (09022015). Collection method: clinical testing. Allele origin: germline.
Comment: In summary, the available evidence is currently insufficient to determine the role of this variant in disease. Therefore, it has been classified as a Variant of Uncertain Significance. This variant is not present in population databases (gnomAD no frequency). Algorithms developed to predict the effect of sequence changes on RNA splicing suggest that this variant may create or strengthen a splice site. Experimental studies and prediction algorithms are not available or were not evaluated, and the functional significance of this variant is currently unknown. ClinVar contains an entry for this variant (Variation ID: 1519326). This variant has not been reported in the literature in individuals affected with WAS-related conditions. This sequence change replaces proline, which is neutral and non-polar, with arginine, which is basic and polar, at codon 460 of the WAS protein (p.Pro460Arg).

NM_000377.3(WAS):c.1379C>G (p.Pro460Arg)

Gene: WAS (WASP actin nucleation promoting factor; plus strand). Cytogenetic location: Xp11.23.
Variant type: single nucleotide variant.
Coding change: c.1379C>G on transcript NM_000377.3 (MANE Select); coding-DNA position 1379, C replaced by G.
Protein change: p.Pro460Arg; replaces proline 460 with arginine.
Molecular consequence: missense variant.
Genome position (GRCh38, 1-based): chrX:48,689,360, C>G. VCF-style: chrX-48689360-C-G. GRCh37 (hg19) VCF-style: chrX-48547749-C-G.
Other names: short protein forms P460R.
Identifiers: ClinVar variation 1519326 (VCV001519326.8), dbSNP rs782489472, ClinGen allele CA412873857.
Genomic context (GRCh38, chrX:48,689,360, plus strand): 5'-CTGATCCCTGCCTGCTGCAGACCCCTGGGGCCCCAGAGAGCTCAGCGCTGCAGCCACCAC[C>G]TCAGAGCTCAGAGGGACTGGTGGGGGCCCTGATGCACGTGATGCAGAAGAGAAGCAGAGC-3'
Protein context (NP_000368.1, residues 450-470): APESSALQPP[Pro460Arg]QSSEGLVGAL